The following is an entry in ClinVar:

ClinVar aggregate classification (germline): Uncertain significance (1 of 4 stars; one submission).

Submission:

Labcorp Genetics (formerly Invitae), Labcorp
Classification: Uncertain significance. Last evaluated: 2025-10-09. Review status: criteria provided, single submitter. Criteria: Invitae Variant Classification Sherloc (09022015). Collection method: clinical testing. Allele origin: germline.
Comment: This sequence change creates a premature translational stop signal (p.Leu20Alafs*18) in the DSCAML1 gene. It is expected to result in an absent or disrupted protein product. However, the current clinical and genetic evidence is not sufficient to establish whether loss-of-function variants in DSCAML1 cause disease. This variant is present in population databases (rs778625115, gnomAD 0.01%). This variant has not been reported in the literature in individuals affected with DSCAML1-related conditions. ClinVar contains an entry for this variant (Variation ID: 1395541). In summary, the available evidence is currently insufficient to determine the role of this variant in disease. Therefore, it has been classified as a Variant of Uncertain Significance.

NM_020693.4(DSCAML1):c.-124dup

Gene: DSCAML1 (DS cell adhesion molecule like 1; minus strand). Cytogenetic location: 11q23.3.
Variant type: Duplication.
Coding change: c.-124dup on transcript NM_020693.4 (MANE Select); 124 bases upstream of the start codon, one base duplicated (G; older notation c.-124dupG).
Molecular consequence: 5 prime UTR variant. On other transcripts: intron variant (1).
Genome position (GRCh38, 1-based): chr11:117,797,203, C duplicated on the plus strand (G on the coding strand, the reverse complement: DSCAML1 is on the minus strand); the first of 3 consecutive C bases (chr11:117,797,203-117,797,205); duplicating any one gives the same sequence. VCF-style (leftmost placement, unchanged base first): chr11-117797202-G-GC. GRCh37 (hg19) VCF-style: chr11-117667917-G-GC.
Other names: c.-124dup (NM_001367904.1); c.-362-16393dup (NM_001367905.1).
Identifiers: ClinVar variation 1395541 (VCV001395541.6), dbSNP rs778625115, ClinGen allele CA6297713.